The following is an entry in ClinVar:

NM_020949.3(SLC7A14):c.1611T>G (p.Ile537Met)

Genes: SLC7A14-AS1 (SLC7A14 antisense RNA 1; plus strand), SLC7A14 (solute carrier family 7 member 14; minus strand). Cytogenetic location: 3q26.2.
Variant type: single nucleotide variant.
Coding change: c.1611T>G on transcript NM_020949.3 (MANE Select); coding-DNA position 1611, T replaced by G.
Protein change: p.Ile537Met; replaces isoleucine 537 with methionine.
Molecular consequence: missense variant.
Genome position (GRCh38, 1-based): chr3:170,480,671, A>C on the plus strand (T>G on the coding strand, the complement: SLC7A14 is on the minus strand). VCF-style: chr3-170480671-A-C. GRCh37 (hg19) VCF-style: chr3-170198460-A-C.
Other names: c.1611T>G (NM_020949.2); short protein forms I537M.
Identifiers: ClinVar variation 1468221 (VCV001468221.10), dbSNP rs747164517, ClinGen allele CA2701599.

ClinVar aggregate classification (germline): Uncertain significance. Review status: criteria provided, multiple submitters, no conflicts (2 of 4 stars). 3 submissions from 3 submitters: Uncertain significance (3). Last evaluated 2025-07-03.

Allele frequency attached by ClinVar (database versions not stated): gnomAD 0.00001; gnomAD exomes 0.00001; ExAC 0.00002.
gnomAD v4.1: 19 of 1,614,242 alleles (0.0012%); highest among the groups gnomAD compares: South Asian, 0.021%; no homozygotes.

Submissions (3):

Ambry Genetics
Classification: Uncertain significance. Last evaluated: 2025-07-03. Review status: criteria provided, single submitter. Criteria: Ambry Variant Classification Scheme 2023. Collection method: clinical testing. Allele origin: germline.

Labcorp Genetics (formerly Invitae), Labcorp
Classification: Uncertain significance. Last evaluated: 2025-02-03. Review status: criteria provided, single submitter. Criteria: Invitae Variant Classification Sherloc (09022015). Collection method: clinical testing. Allele origin: germline.
Comment: This sequence change replaces isoleucine, which is neutral and non-polar, with methionine, which is neutral and non-polar, at codon 537 of the SLC7A14 protein (p.Ile537Met). This variant is present in population databases (rs747164517, gnomAD 0.01%). This variant has not been reported in the literature in individuals affected with SLC7A14-related conditions. ClinVar contains an entry for this variant (Variation ID: 1468221). An algorithm developed to predict the effect of missense changes on protein structure and function (PolyPhen-2) suggests that this variant is likely to be tolerated. In summary, the available evidence is currently insufficient to determine the role of this variant in disease. Therefore, it has been classified as a Variant of Uncertain Significance.

Blueprint Genetics
Classification: Uncertain significance. Last evaluated: 2021-10-01. Review status: criteria provided, single submitter. Criteria: ACMG Guidelines, 2015. Collection method: clinical testing. Allele origin: germline.